The following is an entry in ClinVar:

ClinVar aggregate classification (germline): Likely pathogenic (1 of 4 stars; one submission).

Conditions:
Glycine encephalopathy. Also called: Nonketotic hyperglycinemia; Non-ketotic hyperglycinemia. Identifiers: Orphanet 407, MedGen C0751748, MONDO:0011612, HP:0008288.

gnomAD v4.1: 2 of 1,613,968 alleles (0.00012%); highest among the groups gnomAD compares: Non-Finnish European, 0.000085%; no homozygotes.

Submission:

Natera, Inc.
Classification: Likely pathogenic for Non-ketotic hyperglycinemia. Last evaluated: 2024-05-28. Review status: criteria provided, single submitter. Criteria: Natera Variant Classification Schema (03/2026). Collection method: clinical testing. Allele origin: germline.
Comment: The c.471-2A>G variant in GLDC is a canonical splice acceptor site variant predicted to affect pre-mRNA splicing, which may result in an abnormal transcript and altered protein product. This variant is expected to result in nonsense mediated decay, truncation, or a dysfunctional protein product. This variant is rare in the general population with a frequency below the threshold expected for the associated phenotype(s). Given the available evidence, this variant is classified as Likely Pathogenic.

NM_000170.3(GLDC):c.471-2A>G

Gene: GLDC (glycine decarboxylase; minus strand). Cytogenetic location: 9p24.1.
Variant type: single nucleotide variant.
Coding change: c.471-2A>G on transcript NM_000170.3 (MANE Select); the canonical splice acceptor site of the intron before coding-DNA position 471, A replaced by G.
Molecular consequence: splice acceptor variant.
Genome position (GRCh38, 1-based): chr9:6,610,358, T>C on the plus strand (A>G on the coding strand, the complement: GLDC is on the minus strand). VCF-style: chr9-6610358-T-C. GRCh37 (hg19) VCF-style: chr9-6610358-T-C.
Identifiers: ClinVar variation 4817863 (VCV004817863.1).
Genomic context (GRCh38, chr9:6,610,358, plus strand): 5'-GTAAACTCTCCAGCCTCCCCTGAGACACCTCAGGCTGGTATGGAGTATACTGGGTGATCC[T>C]GCAAGGGAAACAAAAGGTCTTGTCCAAACTGACTGCTGTTTAGAGAAGCACACAAAATGC-3'